The following is an entry in ClinVar:

NM_182915.3(STEAP3):c.1196G>A (p.Arg399Lys)

Gene: STEAP3 (STEAP3 metalloreductase; plus strand). Cytogenetic location: 2q14.2.
Variant type: single nucleotide variant.
Coding change: c.1196G>A on transcript NM_182915.3 (MANE Select); coding-DNA position 1196, G replaced by A.
Protein change: p.Arg399Lys; replaces arginine 399 with lysine.
Molecular consequence: missense variant.
Genome position (GRCh38, 1-based): chr2:119,254,829, G>A. VCF-style: chr2-119254829-G-A. GRCh37 (hg19) VCF-style: chr2-120012405-G-A.
Other names: c.1166G>A, p.Arg389Lys (NM_001008410.2, NM_018234.3, NM_138637.3); short protein forms R399K, R389K.
Identifiers: ClinVar variation 723023 (VCV000723023.32), dbSNP rs41279768, ClinGen allele CA1846826.

ClinVar aggregate classification (germline): Likely benign. Review status: criteria provided, multiple submitters, no conflicts (2 of 4 stars). 3 submissions from 3 submitters: Likely benign (2). 1 of the submissions does not count toward it. Last evaluated 2026-01-26.

Conditions:
STEAP3-related disorder. Also called: STEAP3-related condition.

Allele frequency attached by ClinVar (database versions not stated): 1000 Genomes Project 0.00040; 1000 Genomes Project 30x 0.00062; TOPMed 0.00166; gnomAD exomes 0.00169 and 0.00252; ExAC 0.00175; gnomAD 0.00184 and 0.00193; ESP Exome Variant Server 0.00192.
gnomAD v4.1: 3,934 of 1,614,118 alleles (0.24%); highest among the groups gnomAD compares: Non-Finnish European, 0.31%; 6 homozygotes.

Submissions (3):

Labcorp Genetics (formerly Invitae), Labcorp
Classification: Likely benign. Last evaluated: 2026-01-26. Review status: criteria provided, single submitter. Criteria: Invitae Variant Classification Sherloc (09022015). Collection method: clinical testing. Allele origin: germline.

CeGaT Center for Human Genetics Tuebingen
Classification: Likely benign. Last evaluated: 2022-12-01. Review status: criteria provided, single submitter. Criteria: CeGaT Center For Human Genetics Tuebingen Variant Classification Criteria Version 2. Collection method: clinical testing. Allele origin: germline. Affected: yes. Observed: 2 variant alleles.
Comment: STEAP3: BS2

PreventionGenetics, part of Exact Sciences
Classification: Likely benign for STEAP3-related condition. Last evaluated: 2019-12-17. Review status: no assertion criteria provided. Collection method: clinical testing. Allele origin: germline. Not counted in ClinVar's aggregate classification.
Comment: This variant is classified as likely benign based on ACMG/AMP sequence variant interpretation guidelines (Richards et al. 2015 PMID: 25741868, with internal and published modifications).